The following is an entry in ClinVar:

NM_001927.4(DES):c.995C>A (p.Thr332Asn)

Gene: DES (desmin; plus strand). Cytogenetic location: 2q35.
Variant type: single nucleotide variant.
Coding change: c.995C>A on transcript NM_001927.4 (MANE Select); coding-DNA position 995, C replaced by A.
Protein change: p.Thr332Asn; replaces threonine 332 with asparagine.
Molecular consequence: missense variant. On other transcripts: intron variant (1).
Genome position (GRCh38, 1-based): chr2:219,420,925, C>A. VCF-style: chr2-219420925-C-A. GRCh37 (hg19) VCF-style: chr2-220285647-C-A.
Other names: c.992C>A, p.Thr331Asn (NM_001382708.1); c.995C>A, p.Thr332Asn (NM_001382710.1, NM_001382711.1, NM_001382712.1); c.725C>A, p.Thr242Asn (NM_001382713.1); c.736-559C>A (NM_001382709.1); short protein forms T242N, T331N, T332N.
Identifiers: ClinVar variation 2160493 (VCV002160493.5), dbSNP rs368453327, ClinGen allele CA2125201.
Genomic context (GRCh38, chr2:219,420,925, plus strand): 5'-ACGCCCTGCGCCAGGCCAAGCAGGAGATGATGGAATACCGACACCAGATCCAGTCCTACA[C>A]CTGCGAGATTGACGCCCTGAAGGGCACTGTGAGTCCCTGCCCACCTGGCCAGGCCCTGCC-3'
Protein context (NP_001918.3, residues 322-342): MEYRHQIQSY[Thr332Asn]CEIDALKGTN

ClinVar aggregate classification (germline): Uncertain significance. Review status: criteria provided, multiple submitters, no conflicts (2 of 4 stars). 2 submissions from 2 submitters: Uncertain significance (2). Last evaluated 2026-05-14.

Conditions:
Cardiovascular phenotype. Identifiers: MedGen CN230736.
Desmin-related myofibrillar myopathy (MFM1). Also called: MYOFIBRILLAR MYOPATHY WITH ARRHYTHMOGENIC RIGHT VENTRICULAR CARDIOMYOPATHY; DESMIN-RELATED MYOPATHY WITH ARRHYTHMOGENIC RIGHT VENTRICULAR CARDIOMYOPATHY; Myofibrillar myopathy 1; Desminopathy; Desmin related myopathy (former name); Desmin storage myopathy (former name). Identifiers: Orphanet 363543, Orphanet 98909, MedGen C1832370, MONDO:0011076, OMIM 601419.

Allele frequency attached by ClinVar (database versions not stated): gnomAD 0.00001.
gnomAD v4.1: 7 of 1,613,490 alleles (0.00043%); highest among the groups gnomAD compares: Admixed American, 0.01%; no homozygotes.

Submissions (2):

Ambry Genetics
Classification: Uncertain significance for Cardiovascular phenotype. Last evaluated: 2026-05-14. Review status: criteria provided, single submitter. Criteria: Ambry Variant Classification Scheme 2023. Collection method: clinical testing. Allele origin: germline.
Comment: The p.T332N variant (also known as c.995C>A), located in coding exon 5 of the DES gene, results from a C to A substitution at nucleotide position 995. The threonine at codon 332 is replaced by asparagine, an amino acid with similar properties. This amino acid position is conserved. In addition, the in silico prediction for this alteration is inconclusive. Based on the available evidence, the clinical significance of this variant remains unclear.

Labcorp Genetics (formerly Invitae), Labcorp
Classification: Uncertain significance for Desmin-related myofibrillar myopathy. Last evaluated: 2022-05-01. Review status: criteria provided, single submitter. Criteria: Invitae Variant Classification Sherloc (09022015). Collection method: clinical testing. Allele origin: germline.
Comment: In summary, the available evidence is currently insufficient to determine the role of this variant in disease. Therefore, it has been classified as a Variant of Uncertain Significance. Algorithms developed to predict the effect of missense changes on protein structure and function are either unavailable or do not agree on the potential impact of this missense change (SIFT: "Tolerated"; PolyPhen-2: "Possibly Damaging"; Align-GVGD: "Class C0"). This variant has not been reported in the literature in individuals affected with DES-related conditions. This variant is present in population databases (rs368453327, gnomAD 0.003%). This sequence change replaces threonine, which is neutral and polar, with asparagine, which is neutral and polar, at codon 332 of the DES protein (p.Thr332Asn).